The following is an entry in ClinVar:

ClinVar aggregate classification (germline): Uncertain significance (1 of 4 stars; one submission).

Conditions:
Peroxisome biogenesis disorder. Identifiers: Orphanet 79189, MedGen C1832200, MONDO:0019234. Disease mechanism: loss of function.

Submission:

Labcorp Genetics (formerly Invitae), Labcorp
Classification: Uncertain significance for Peroxisome biogenesis disorder. Last evaluated: 2022-05-06. Review status: criteria provided, single submitter. Criteria: Invitae Variant Classification Sherloc (09022015). Collection method: clinical testing. Allele origin: germline.
Comment: This variant is not present in population databases (gnomAD no frequency). This sequence change replaces arginine, which is basic and polar, with glycine, which is neutral and non-polar, at codon 863 of the PEX6 protein (p.Arg863Gly). This variant has not been reported in the literature in individuals affected with PEX6-related conditions. In summary, the available evidence is currently insufficient to determine the role of this variant in disease. Therefore, it has been classified as a Variant of Uncertain Significance. Algorithms developed to predict the effect of sequence changes on RNA splicing suggest that this variant may disrupt the consensus splice site. Algorithms developed to predict the effect of missense changes on protein structure and function (SIFT, PolyPhen-2, Align-GVGD) all suggest that this variant is likely to be disruptive. ClinVar contains an entry for this variant (Variation ID: 1009344).

NM_000287.4(PEX6):c.2587A>G (p.Arg863Gly)

Gene: PEX6 (peroxisomal biogenesis factor 6; minus strand). Cytogenetic location: 6p21.1.
Variant type: single nucleotide variant.
Coding change: c.2587A>G on transcript NM_000287.4 (MANE Select); coding-DNA position 2587, A replaced by G.
Protein change: p.Arg863Gly; replaces arginine 863 with glycine.
Molecular consequence: missense variant. On other transcripts: non-coding transcript variant (1).
Genome position (GRCh38, 1-based): chr6:42,965,253, T>C on the plus strand (A>G on the coding strand, the complement: PEX6 is on the minus strand). VCF-style: chr6-42965253-T-C. GRCh37 (hg19) VCF-style: chr6-42932991-T-C.
Other names: c.2323A>G, p.Arg775Gly (NM_001316313.2); short protein forms R775G, R863G.
Identifiers: ClinVar variation 1009344 (VCV001009344.9), dbSNP rs1769723613, ClinGen allele CA364150846.
Genomic context (GRCh38, chr6:42,965,253, plus strand): 5'-CCATGAGGGGTGAAGGAGGCACAAAATGAGGGTGGAGATGAGCAGTACAAGGGGCCCACC[T>C]GCCAGGCCGCAGAAGGGCAGGGTCCAGGAGATCTGGTCTGTTGGTGGCTCCAATCACAAA-3'
Protein context (NP_000278.3, residues 853-873): LLDPALLRPG[Arg863Gly]FDKLVFVGAN